The following is an entry in ClinVar:

NM_031892.3(SH3KBP1):c.601G>A (p.Ala201Thr)

Gene: SH3KBP1 (SH3 domain containing kinase binding protein 1; minus strand). Cytogenetic location: Xp22.12.
Variant type: single nucleotide variant.
Coding change: c.601G>A on transcript NM_031892.3 (MANE Select); coding-DNA position 601, G replaced by A.
Protein change: p.Ala201Thr; replaces alanine 201 with threonine.
Molecular consequence: missense variant.
Genome position (GRCh38, 1-based): chrX:19,683,948, C>T on the plus strand (G>A on the coding strand, the complement: SH3KBP1 is on the minus strand). VCF-style: chrX-19683948-C-T. GRCh37 (hg19) VCF-style: chrX-19702066-C-T.
Other names: c.490G>A, p.Ala164Thr (NM_001024666.3); c.601G>A, p.Ala201Thr (NM_001353890.2); c.676G>A, p.Ala226Thr (NM_001353891.2, NM_001353892.2); c.499G>A, p.Ala167Thr (NM_001353893.2, NM_001353894.2); c.556G>A, p.Ala186Thr (NM_001353895.2); short protein forms A164T, A167T, A186T, A226T, A201T.
Identifiers: ClinVar variation 1357193 (VCV001357193.6), dbSNP rs2063114854, ClinGen allele CA412497822.

ClinVar aggregate classification (germline): Uncertain significance (1 of 4 stars; one submission).

Allele frequency attached by ClinVar (database versions not stated): gnomAD exomes below 0.00001; TOPMed 0.00001.
gnomAD v4.1: 1 of 1,211,086 alleles (0.000083%); highest among the groups gnomAD compares: Non-Finnish European, 0.00011%; no homozygotes.

Submission:

Labcorp Genetics (formerly Invitae), Labcorp
Classification: Uncertain significance. Last evaluated: 2022-07-19. Review status: criteria provided, single submitter. Criteria: Invitae Variant Classification Sherloc (09022015). Collection method: clinical testing. Allele origin: germline.
Comment: In summary, the available evidence is currently insufficient to determine the role of this variant in disease. Therefore, it has been classified as a Variant of Uncertain Significance. Algorithms developed to predict the effect of missense changes on protein structure and function output the following: SIFT: "Tolerated"; PolyPhen-2: "Possibly Damaging"; Align-GVGD: "Class C0". The threonine amino acid residue is found in multiple mammalian species, which suggests that this missense change does not adversely affect protein function. ClinVar contains an entry for this variant (Variation ID: 1357193). This variant has not been reported in the literature in individuals affected with SH3KBP1-related conditions. This variant is not present in population databases (gnomAD no frequency). This sequence change replaces alanine, which is neutral and non-polar, with threonine, which is neutral and polar, at codon 201 of the SH3KBP1 protein (p.Ala201Thr).